The following is an entry in ClinVar:

ClinVar aggregate classification (germline): Likely benign. Review status: criteria provided, multiple submitters, no conflicts (2 of 4 stars). 3 submissions from 3 submitters: Likely benign (2). 1 of the submissions does not count toward it. Last evaluated 2025-10-13.

Conditions:
LRP4-related disorder. Also called: LRP4-related condition.
Cenani-Lenz syndactyly syndrome. Also called: CENANI SYNDACTYLISM; SYNDACTYLY, TYPE VII. Identifiers: Orphanet 3258, MedGen C1859309, MONDO:0008931, OMIM 212780.
Sclerosteosis 2 (SOST2). Identifiers: Orphanet 3152, MedGen C3280402, MONDO:0013679, OMIM 614305.
Congenital myasthenic syndrome 17. Identifiers: Orphanet 590, MedGen C4225377, MONDO:0014578, OMIM 616304.

Submissions (3):

Labcorp Genetics (formerly Invitae), Labcorp
Classification: Likely benign for Cenani-Lenz syndactyly syndrome; Sclerosteosis 2; Congenital myasthenic syndrome 17. Last evaluated: 2025-10-13. Review status: criteria provided, single submitter. Criteria: Invitae Variant Classification Sherloc (09022015). Collection method: clinical testing. Allele origin: germline.

Eurofins Ntd Llc (ga)
Classification: Likely benign. Last evaluated: 2016-09-30. Review status: criteria provided, single submitter. Criteria: EGL Classification Definitions 2015. Collection method: clinical testing. Allele origin: germline. Observed: 1 variant allele, 1 heterozygote.

PreventionGenetics, part of Exact Sciences
Classification: Likely benign for LRP4-related condition. Last evaluated: 2019-10-16. Review status: no assertion criteria provided. Collection method: clinical testing. Allele origin: germline. Not counted in ClinVar's aggregate classification.
Comment: This variant is classified as likely benign based on ACMG/AMP sequence variant interpretation guidelines (Richards et al. 2015 PMID: 25741868, with internal and published modifications).

NM_002334.4(LRP4):c.431-3del

Gene: LRP4 (LDL receptor related protein 4; minus strand). Cytogenetic location: 11p11.2.
Variant type: Deletion.
Coding change: c.431-3del on transcript NM_002334.4 (MANE Select); 3 bases into the intron before coding-DNA position 431, one base deleted (C; older notation c.431-3delC).
Molecular consequence: intron variant.
Genome position (GRCh38, 1-based): chr11:46,899,506, G deleted on the plus strand (C on the coding strand, the reverse complement: LRP4 is on the minus strand); the first of 6 consecutive G bases (chr11:46,899,506-46,899,511); deleting any one gives the same sequence. VCF-style (leftmost placement, unchanged base first): chr11-46899505-TG-T. GRCh37 (hg19) VCF-style: chr11-46921056-TG-T.
Other names: c.431-3del (NM_002334.3).
Identifiers: ClinVar variation 497267 (VCV000497267.17), dbSNP rs562071882, ClinGen allele CA5970491.
Genomic context (GRCh38, chr11:46,899,505, plus strand): 5'-CTCAGCAATGCAGCTTCCGTCACTACAGCGGAACTCCTTGTCGGAGCACTTGCGCATGTC[TG>T]GGGGGATGCGATGGGACAGCAGTTCTGAGGGGGCCCCACAGGCAACCCTCTCACCCTCCT-3'